The following is an entry in ClinVar:

NM_000059.4(BRCA2):c.5820_5833del (p.Glu1940fs)

Gene: BRCA2 (BRCA2 DNA repair associated; plus strand). Cytogenetic location: 13q13.1.
Variant type: Deletion.
Coding change: c.5820_5833del on transcript NM_000059.4 (MANE Select); coding-DNA positions 5820 to 5833, 14 bases deleted (GAAAGTTTCTAAAA).
Protein change: p.Glu1940fs; shifts the reading frame from glutamic acid 1940.
Molecular consequence: frameshift variant.
Genome position (GRCh38, 1-based): chr13:32,340,175-32,340,188, GAAAGTTTCTAAAA deleted; deleting any 14 consecutive bases within chr13:32,340,174-32,340,188 gives the same sequence; the c. name uses the placement nearest the transcript's 3' end. VCF-style (leftmost placement, unchanged base first): chr13-32340173-GAGAAAGTTTCTAAA-G. GRCh37 (hg19) VCF-style: chr13-32914310-GAGAAAGTTTCTAAA-G.
Other names: 6048del14; c.5820_5833delGAAAGTTTCTAAAA (NM_000059.3); short protein forms E1940fs.
Identifiers: ClinVar variation 51944 (VCV000051944.4), dbSNP rs80359539, ClinGen allele CA023268.

ClinVar aggregate classification (germline): Pathogenic. Review status: reviewed by expert panel (3 of 4 stars). 3 submissions from 3 submitters: Pathogenic (1). 2 of the submissions do not count toward it. Last evaluated 2016-09-08.

Conditions:
Hereditary breast ovarian cancer syndrome. Also called: Hereditary breast and ovarian cancer syndrome; Hereditary breast and ovarian cancer; Hereditary breast and ovarian cancer syndrome (HBOC); Breast and ovarian cancer; Hereditary breast and/or ovarian cancer syndrome; BRCA1- and BRCA2-Associated Hereditary Breast and Ovarian Cancer. Identifiers: Orphanet 145, MedGen C0677776, MeSH D061325, MONDO:0003582. Disease mechanism: loss of function.
Breast-ovarian cancer, familial, susceptibility to, 2 (BROVCA2). Also called: BRCA2 Hereditary Breast and Ovarian Cancer. Identifiers: Orphanet 145, MedGen C2675520, MONDO:0012933, OMIM 612555. Disease mechanism: loss of function.

Submissions (3):

Evidence-based Network for the Interpretation of Germline Mutant Alleles (ENIGMA)
Classification: Pathogenic for Breast-ovarian cancer, familial, susceptibility to, 2. Last evaluated: 2016-09-08. Review status: reviewed by expert panel. Criteria: ENIGMA BRCA1/2 Classification Criteria (2015). Collection method: curation. Allele origin: germline.
Comment: Variant allele predicted to encode a truncated non-functional protein.

Research Molecular Genetics Laboratory, Women's College Hospital, University of Toronto
Classification: Pathogenic for Hereditary breast ovarian cancer syndrome. Last evaluated: 2014-01-31. Review status: no assertion criteria provided. Collection method: research. Allele origin: germline. Affected: yes. Study: The Canadian Open Genetics Repository (COGR). Not counted in ClinVar's aggregate classification.

Breast Cancer Information Core (BIC) (BRCA2)
Classification: Pathogenic for Breast-ovarian cancer, familial 2. Last evaluated: 2002-05-29. Review status: no assertion criteria provided. Collection method: clinical testing. Allele origin: germline. Affected: yes. Observed: 1 variant allele. Not counted in ClinVar's aggregate classification.